The following is an entry in ClinVar:

NM_000202.8(IDS):c.825C>T (p.Asp275=)

Genes: IDS (iduronate 2-sulfatase; minus strand), LOC106050102 (IDS recombination region; plus strand). Cytogenetic location: Xq28.
Variant type: single nucleotide variant.
Coding change: c.825C>T on transcript NM_000202.8 (MANE Select); coding-DNA position 825, C replaced by T.
Protein change: p.Asp275=; no amino-acid change (aspartic acid 275 retained).
Molecular consequence: synonymous variant. On other transcripts: non-coding transcript variant (1).
Genome position (GRCh38, 1-based): chrX:149,496,400, G>A on the plus strand (C>T on the coding strand, the complement: IDS is on the minus strand). VCF-style: chrX-149496400-G-A. GRCh37 (hg19) VCF-style: chrX-148577931-G-A.
Other names: c.825C>T (NM_000202.5, NM_000202.7); c.555C>T, p.Asp185= (NM_001166550.4); c.825C>T, p.Asp275= (NM_006123.5).
Identifiers: ClinVar variation 698195 (VCV000698195.19), dbSNP rs148038243, ClinGen allele CA10537593.

ClinVar aggregate classification (germline): Benign/Likely benign. Review status: criteria provided, multiple submitters, no conflicts (2 of 4 stars). 7 submissions from 7 submitters: Benign (2); Likely benign (1). 4 of the submissions do not count toward it. Last evaluated 2026-01-24.

Conditions:
Inborn genetic diseases. Identifiers: MedGen C0950123, MeSH D030342.
Mucopolysaccharidosis, MPS-III-A (MPS3A). Also called: MUCOPOLYSACCHARIDOSIS, TYPE IIIA, ATTENUATED; HEPARAN SULFATE SULFATASE DEFICIENCY; SANFILIPPO SYNDROME A; SULFAMIDASE DEFICIENCY; Mucopolysaccharidosis, type IIIA; MPS III A. Identifiers: Orphanet 581, Orphanet 79269, MedGen C0086647, MONDO:0009655, OMIM 252900.
Mucopolysaccharidosis, MPS-II (MPS2). Also called: IDS deficiency; Sulfoiduronate sulfatase deficiency; SIDS deficiency; Mucopolysaccharidosis with skin involvement; Attenuated MPS (subtype; formerly known as mild MPS II); Severe MPS II. Identifiers: Orphanet 580, Orphanet 79388, MedGen C0026705, MONDO:0010674, OMIM 309900.
IDS-related disorder. Also called: IDS-related condition.

Allele frequency attached by ClinVar (database versions not stated): gnomAD exomes 0.00087 and 0.00190; TOPMed 0.00111; gnomAD 0.00119 and 0.00120; ExAC 0.00084; ESP Exome Variant Server 0.00133.
gnomAD v4.1: 2,178 of 1,209,266 alleles (0.18%); highest among the groups gnomAD compares: Non-Finnish European, 0.23%; 3 homozygotes.

Submissions (7):

Labcorp Genetics (formerly Invitae), Labcorp
Classification: Benign for Mucopolysaccharidosis, MPS-II. Last evaluated: 2026-01-24. Review status: criteria provided, single submitter. Criteria: Invitae Variant Classification Sherloc (09022015). Collection method: clinical testing. Allele origin: germline.

Blueprint Genetics
Classification: Likely benign. Last evaluated: 2024-11-15. Review status: criteria provided, single submitter. Criteria: ACMG Guidelines, 2015. Collection method: clinical testing. Allele origin: germline.

Ambry Genetics
Classification: Benign for Inborn genetic diseases. Last evaluated: 2018-04-02. Review status: criteria provided, single submitter. Criteria: Ambry Variant Classification Scheme 2023. Collection method: clinical testing. Allele origin: germline.

Natera, Inc.
Classification: Likely benign for Mucopolysaccharidosis type IIIA. Last evaluated: 2020-04-11. Review status: no assertion criteria provided. Collection method: clinical testing. Allele origin: germline. Not counted in ClinVar's aggregate classification.

PreventionGenetics, part of Exact Sciences
Classification: Likely benign for IDS-related condition. Last evaluated: 2019-09-30. Review status: no assertion criteria provided. Collection method: clinical testing. Allele origin: germline. Not counted in ClinVar's aggregate classification.
Comment: This variant is classified as likely benign based on ACMG/AMP sequence variant interpretation guidelines (Richards et al. 2015 PMID: 25741868, with internal and published modifications).

Clinical Genetics DNA and cytogenetics Diagnostics Lab, Erasmus MC, Erasmus Medical Center
Classification: Likely benign. Review status: no assertion criteria provided. Collection method: clinical testing. Allele origin: germline. Affected: yes. Study: VKGL Data-share Consensus. Not counted in ClinVar's aggregate classification.

Clinical Genetics, Academic Medical Center
Classification: Benign. Review status: no assertion criteria provided. Collection method: clinical testing. Allele origin: germline. Affected: yes. Study: VKGL Data-share Consensus. Not counted in ClinVar's aggregate classification.